The following is an entry in ClinVar:

ClinVar aggregate classification (germline): Pathogenic (1 of 4 stars; one submission).

Submission:

GeneDx
Classification: Pathogenic. Last evaluated: 2014-01-10. Review status: criteria provided, single submitter. Criteria: GeneDx Variant Classification (06012015). Collection method: clinical testing. Allele origin: germline. Affected: yes.
Comment: p.Lys638Arg (AAG>AGG): c.1913 A>G in exon 7 of the KCNH2 gene (NM_000238.2)While the K638R mutation in the KCNH2 gene has not been reported to our knowledge, mutations affecting this same residue (K638N, K638E) have been reported in association with LQTS (Splawski I et al., 2000; Kapplinger J et al., 2009). Additionally, mutations in nearby residues (E637K, E637G, E637D, F640V) have been reported in association with LQTS, further supporting the functional importance of this residue and this region of the protein. Although K638R is a conservative amino acid substitution (these residues share similar properties, and are least likely to impact secondary structure), the K638 residue is well conserved across species. Consequently, in silico analysis predicts K638R is damaging to the protein structure/function. Furthermore, K638R was not observed in approximately 6500 individuals of European and African American ancestry in the NHLBI Exome Sequencing Project, indicating it is not a common benign variant in these populations.In summary, K638R in the KCNH2 gene is interpreted as a likely disease-causing mutation. The variant is found in LQT panel(s).

NM_000238.4(KCNH2):c.1913A>G (p.Lys638Arg)

Gene: KCNH2 (potassium voltage-gated channel subfamily H member 2; minus strand). Cytogenetic location: 7q36.1.
Variant type: single nucleotide variant.
Coding change: c.1913A>G on transcript NM_000238.4 (MANE Select); coding-DNA position 1913, A replaced by G.
Protein change: p.Lys638Arg; replaces lysine 638 with arginine.
Molecular consequence: missense variant.
Genome position (GRCh38, 1-based): chr7:150,951,480, T>C on the plus strand (A>G on the coding strand, the complement: KCNH2 is on the minus strand). VCF-style: chr7-150951480-T-C. GRCh37 (hg19) VCF-style: chr7-150648568-T-C.
Other names: p.K638R:AAG>AGG; c.893A>G, p.Lys298Arg (NM_001204798.2, NM_172057.3); c.1625A>G, p.Lys542Arg (NM_001406753.1, NM_001406756.1); c.1736A>G, p.Lys579Arg (NM_001406755.1); c.1613A>G, p.Lys538Arg (NM_001406757.1); c.1913A>G, p.Lys638Arg (NM_172056.3); short protein forms K298R, K638R, K538R, K542R, K579R.
Identifiers: ClinVar variation 200395 (VCV000200395.4), dbSNP rs794728378, ClinGen allele CA005990.
Genomic context (GRCh38, chr7:150,951,480, plus strand): 5'-CCCGCCGCCCGCCCCTGGGCACACTCACAGCCAATGAGCATGACGCAGATGGAGAAGATC[T>C]TCTCTGAGTTGGTGTTGGGAGAGACGTTGCCGAAGCCCACACTGGTGAGGCTGCTGAAGG-3'
Protein context (NP_000229.1, residues 628-648): GNVSPNTNSE[Lys638Arg]IFSICVMLIG